The following is an entry in ClinVar:

ClinVar aggregate classification (germline): Pathogenic (1 of 4 stars; one submission).

Submission:

Labcorp Genetics (formerly Invitae), Labcorp
Classification: Pathogenic. Last evaluated: 2023-08-24. Review status: criteria provided, single submitter. Criteria: Invitae Variant Classification Sherloc (09022015). Collection method: clinical testing. Allele origin: unknown.
Comment: This variant is a gross deletion of the genomic region encompassing exon(s) 13 of the PDE6A gene. This variant would be expected to be in-frame, preserving the integrity of the reading frame. This variant has not been reported in the literature in individuals affected with PDE6A-related conditions. This variant disrupts a region of the PDE6A protein in which other variant(s) (p.Leu575Pro) have been determined to be pathogenic (PMID: 30998820; Invitae). This suggests that this is a clinically significant region of the protein, and that variants that disrupt it are likely to be disease-causing. For these reasons, this variant has been classified as Pathogenic.

Literature cited by the submitters: PubMed 30998820.

NC_000005.9:g.(?_149274726)_(149274873_?)del

Gene: PDE6A (phosphodiesterase 6A; minus strand). Cytogenetic location: 5q32.
Variant type: Deletion.
Identifiers: ClinVar variation 3246444 (VCV003246444.1).